The following is an entry in ClinVar:

ClinVar aggregate classification (germline): Uncertain significance (1 of 4 stars; one submission).

Submission:

Labcorp Genetics (formerly Invitae), Labcorp
Classification: Uncertain significance. Last evaluated: 2025-10-05. Review status: criteria provided, single submitter. Criteria: Invitae Variant Classification Sherloc (09022015). Collection method: clinical testing. Allele origin: germline.
Comment: This sequence change replaces glycine, which is neutral and non-polar, with aspartic acid, which is acidic and polar, at codon 833 of the POLE protein (p.Gly833Asp). This variant is not present in population databases (gnomAD no frequency). This variant has not been reported in the literature in individuals affected with POLE-related conditions. ClinVar contains an entry for this variant (Variation ID: 2824268). Invitae Evidence Modeling of protein sequence and biophysical properties (such as structural, functional, and spatial information, amino acid conservation, physicochemical variation, residue mobility, and thermodynamic stability) indicates that this missense variant is expected to disrupt POLE protein function with a positive predictive value of 80%. Algorithms developed to predict the effect of sequence changes on RNA splicing suggest that this variant may create or strengthen a splice site. In summary, the available evidence is currently insufficient to determine the role of this variant in disease. Therefore, it has been classified as a Variant of Uncertain Significance.

NM_006231.4(POLE):c.2498G>A (p.Gly833Asp)

Gene: POLE (DNA polymerase epsilon, catalytic subunit; minus strand). Cytogenetic location: 12q24.33.
Variant type: single nucleotide variant.
Coding change: c.2498G>A on transcript NM_006231.4 (MANE Select); coding-DNA position 2498, G replaced by A.
Protein change: p.Gly833Asp; replaces glycine 833 with aspartic acid.
Molecular consequence: missense variant.
Genome position (GRCh38, 1-based): chr12:132,664,433, C>T on the plus strand (G>A on the coding strand, the complement: POLE is on the minus strand). VCF-style: chr12-132664433-C-T. GRCh37 (hg19) VCF-style: chr12-133241019-C-T.
Other names: short protein forms G833D.
Identifiers: ClinVar variation 2824268 (VCV002824268.3), dbSNP rs2135958401, ClinGen allele CA387396515.